The following is an entry in ClinVar:

ClinVar aggregate classification (germline): Uncertain significance (1 of 4 stars; one submission).

gnomAD v4.1: 1 of 1,614,016 alleles (0.000062%); no homozygotes.

Submission:

GeneDx
Classification: Uncertain significance. Last evaluated: 2025-06-27. Review status: criteria provided, single submitter. Criteria: GeneDx Variant Classification Process June 2021. Collection method: clinical testing. Allele origin: germline. Affected: yes.
Comment: Not observed at significant frequency in large population cohorts (gnomAD); In silico analysis suggests that this missense variant does not alter protein structure/function; Has not been previously published as pathogenic or benign to our knowledge

NM_000334.4(SCN4A):c.1438G>A (p.Glu480Lys)

Gene: SCN4A (sodium voltage-gated channel alpha subunit 4; minus strand). Cytogenetic location: 17q23.3.
Variant type: single nucleotide variant.
Coding change: c.1438G>A on transcript NM_000334.4 (MANE Select); coding-DNA position 1438, G replaced by A.
Protein change: p.Glu480Lys; replaces glutamic acid 480 with lysine.
Molecular consequence: missense variant.
Genome position (GRCh38, 1-based): chr17:63,964,482, C>T on the plus strand (G>A on the coding strand, the complement: SCN4A is on the minus strand). VCF-style: chr17-63964482-C-T. GRCh37 (hg19) VCF-style: chr17-62041842-C-T.
Other names: short protein forms E480K.
Identifiers: ClinVar variation 4680964 (VCV004680964.1).